The following is an entry in ClinVar:

NM_012203.2(GRHPR):c.499_500insAGAGT (p.Ala167fs)

Gene: GRHPR (glyoxylate and hydroxypyruvate reductase; plus strand). Cytogenetic location: 9p13.2.
Variant type: Insertion.
Coding change: c.499_500insAGAGT on transcript NM_012203.2 (MANE Select); coding-DNA positions 499 to 500, AGAGT inserted.
Protein change: p.Ala167fs; shifts the reading frame from alanine 167.
Molecular consequence: frameshift variant.
Genome position: GRCh38 VCF-style: chr9-37429737-G-GAGAGT. GRCh37 (hg19) VCF-style: chr9-37429734-G-GAGAGT.
Other names: short protein forms A167fs.
Identifiers: ClinVar variation 1725382 (VCV001725382.2), dbSNP rs2489242953, ClinGen allele CA2580080519.
Genomic context (GRCh38, chr9:37,429,737, plus strand): 5'-GGTGTCCCTACCCTTTGCGGGACTGGGAACGAGACATGGACTCTCCTTGCTCTAGGCCAG[G>GAGAGT]CCATTGCTCGGCGTCTGAAACCATTCGGTGTCCAGAGATTTCTGTACACAGGGCGCCAGC-3'

ClinVar aggregate classification (germline): Likely pathogenic (1 of 4 stars; one submission).

Conditions:
Primary hyperoxaluria, type II (HP2). Also called: GLYCERIC ACIDURIA; GLYOXYLATE REDUCTASE/HYDROXYPYRUVATE REDUCTASE DEFICIENCY; Primary hyperoxaluria type 2; D-GLYCERATE DEHYDROGENASE DEFICIENCY; OXALOSIS II. Identifiers: Orphanet 416, Orphanet 93599, MedGen C0268165, MONDO:0009824, OMIM 260000. Disease mechanism: loss of function.

Submission:

Myriad Genetics, Inc.
Classification: Likely pathogenic for Primary hyperoxaluria, type II. Last evaluated: 2022-03-17. Review status: criteria provided, single submitter. Criteria: Myriad Women's Health Autosomal Recessive and X-Linked Classification Criteria (2021). Collection method: clinical testing. Allele origin: unknown.
Comment: NM_012203.1(GRHPR):c.499_500ins5(A167Efs*8) is expected to be pathogenic in the context of primary hyperoxaluria type 2. This variant is predicted to lead to an abnormal or absent protein product due to the creation of a premature termination codon in GRHPR, a gene where loss-of-function variants are known to be pathogenic. Please note: this variant was assessed in the context of healthy population screening.